The following is an entry in ClinVar:

ClinVar aggregate classification (germline): Uncertain significance (1 of 4 stars; one submission).

Allele frequency attached by ClinVar (database versions not stated): gnomAD exomes below 0.00001.
gnomAD v4.1: 1 of 1,613,762 alleles (0.000062%); highest among the groups gnomAD compares: Admixed American, 0.0017%; no homozygotes.

Submission:

Labcorp Genetics (formerly Invitae), Labcorp
Classification: Uncertain significance. Last evaluated: 2024-10-29. Review status: criteria provided, single submitter. Criteria: Invitae Variant Classification Sherloc (09022015). Collection method: clinical testing. Allele origin: germline.
Comment: This sequence change replaces phenylalanine, which is neutral and non-polar, with leucine, which is neutral and non-polar, at codon 278 of the SLC26A5 protein (p.Phe278Leu). This variant is present in population databases (no rsID available, gnomAD 0.003%). This variant has not been reported in the literature in individuals affected with SLC26A5-related conditions. ClinVar contains an entry for this variant (Variation ID: 1391492). Invitae Evidence Modeling of protein sequence and biophysical properties (such as structural, functional, and spatial information, amino acid conservation, physicochemical variation, residue mobility, and thermodynamic stability) indicates that this missense variant is not expected to disrupt SLC26A5 protein function with a negative predictive value of 95%. In summary, the available evidence is currently insufficient to determine the role of this variant in disease. Therefore, it has been classified as a Variant of Uncertain Significance.

NM_198999.3(SLC26A5):c.832T>C (p.Phe278Leu)

Gene: SLC26A5 (solute carrier family 26 member 5; minus strand). Cytogenetic location: 7q22.1.
Variant type: single nucleotide variant.
Coding change: c.832T>C on transcript NM_198999.3 (MANE Select); coding-DNA position 832, T replaced by C.
Protein change: p.Phe278Leu; replaces phenylalanine 278 with leucine.
Molecular consequence: missense variant. On other transcripts: non-coding transcript variant (5).
Genome position (GRCh38, 1-based): chr7:103,407,907, A>G on the plus strand (T>C on the coding strand, the complement: SLC26A5 is on the minus strand). VCF-style: chr7-103407907-A-G. GRCh37 (hg19) VCF-style: chr7-103048354-A-G.
Other names: c.832T>C, p.Phe278Leu (NM_001167962.2, NM_001321787.2, NM_206883.3 and 2 more transcripts); short protein forms F278L.
Identifiers: ClinVar variation 1391492 (VCV001391492.6), dbSNP rs1174858639, ClinGen allele CA368764657.